The following is an entry in ClinVar:

NM_000551.4(VHL):c.341-182C>T

Genes: VHL (von Hippel-Lindau tumor suppressor; plus strand), LOC107303340 (3p25 von Hippel-Lindau tumor suppressor, E3 ubiquitin protein ligase Alu-mediated recombination region; plus strand). Cytogenetic location: 3p25.3.
Variant type: single nucleotide variant.
Coding change: c.341-182C>T on transcript NM_000551.4 (MANE Select); 182 bases into the intron before coding-DNA position 341, C replaced by T.
Molecular consequence: intron variant.
Genome position (GRCh38, 1-based): chr3:10,146,332, C>T. VCF-style: chr3-10146332-C-T. GRCh37 (hg19) VCF-style: chr3-10188016-C-T.
Other names: c.*17+3311C>T (NM_001354723.2); c.341-3455C>T (NM_198156.3).
Identifiers: ClinVar variation 676889 (VCV000676889.1), dbSNP rs552624308, ClinGen allele CA70049239.
Genomic context (GRCh38, chr3:10,146,332, plus strand): 5'-CACACCATTCTCCTGCCTCAGCCTCCCGAGTAGCTGGGACTACAGGCGCTCGCCACCACA[C>T]CTGGCTAATTTTTTTGTATTTTTAGTAGAGACGAGGTTTCACCACGTTAGCCAGGACGGT-3'

ClinVar aggregate classification (germline): Likely benign (1 of 4 stars; one submission).

Allele frequency attached by ClinVar (database versions not stated): gnomAD 0.00594 and 0.00640; 1000 Genomes Project 0.00679; TOPMed 0.00699; 1000 Genomes Project 30x 0.00765.
gnomAD v4.1: 896 of 152,090 alleles (0.59%); highest among the groups gnomAD compares: African/African-American, 2%; 12 homozygotes.

Submission:

GeneDx
Classification: Likely benign. Last evaluated: 2018-06-17. Review status: criteria provided, single submitter. Criteria: GeneDx Variant Classification (06012015). Collection method: clinical testing. Allele origin: germline. Affected: yes.
Comment: This variant is considered likely benign or benign based on one or more of the following criteria: it is a conservative change, it occurs at a poorly conserved position in the protein, it is predicted to be benign by multiple in silico algorithms, and/or has population frequency not consistent with disease.